The following is an entry in ClinVar:

ClinVar aggregate classification (germline): Conflicting classifications of pathogenicity. Review status: criteria provided, conflicting classifications (1 of 4 stars). 2 submissions from 2 submitters: Likely pathogenic (1); Uncertain significance (1). Last evaluated 2020-10-19.

Conditions:
SMAD3-related disorder. Also called: SMAD3-related condition.
Aneurysm-osteoarthritis syndrome. Also called: SMAD3-Related Loeys-Dietz Syndrome; ANEURYSMS-OSTEOARTHRITIS SYNDROME; LOEYS-DIETZ SYNDROME WITH OSTEOARTHRITIS; Loeys-Dietz syndrome, type 1C. Identifiers: Orphanet 284984, MedGen C3151087, MONDO:0013426, OMIM 613795.

Submissions (2):

Victorian Clinical Genetics Services, Murdoch Childrens Research Institute
Classification: Uncertain significance for Aneurysm-osteoarthritis syndrome. Last evaluated: 2020-10-19. Review status: criteria provided, single submitter. Criteria: ACMG Guidelines, 2015. Collection method: clinical testing. Allele origin: germline. Inheritance: Autosomal dominant inheritance.
Comment: Based on the classification scheme VCGS_Germline_v1.3.3, this variant is classified as 3A-VUS. Following criteria are met: 0102 - Loss of function is a known mechanism of disease in this gene and is associated with Loeys-Dietz syndrome (MIM#613795). (I) 0107 - This gene is associated with autosomal dominant disease. (I) 0112 - The condition associated with this gene has incomplete penetrance. The overall cumulative risk of an aortic event for variants in this gene increases with age, but never reaches full penetrance (PMID: 30661052). (I) 0200 - Variant is predicted to result in a missense amino acid change from cysteine to arginine. (I) 0251 - This variant is heterozygous. (I) 0301 - Variant is absent from gnomAD (both v2 and v3). (SP) 0501 - Missense variant consistently predicted to be damaging by multiple in silico tools or highly conserved with a major amino acid change. (SP) 0600 - Variant is located in the annotated MH2 domain (Pfam). (I) 0705 - No comparable missense variants have previous evidence for pathogenicity. (I) 0807 - This variant has no previous evidence of pathogenicity. (I) 0905 - No published segregation evidence has been identified for this variant. (I) 1007 - No published functional evidence has been identified for this variant. (I) 1208 - Inheritance information for this variant is not currently available in this individual. (I) Legend: (SP) - Supporting pathogenic, (I) - Information, (SB) - Supporting benign

Blueprint Genetics
Classification: Likely pathogenic for SMAD3-related disorders. Last evaluated: 2019-12-05. Review status: criteria provided, single submitter. Criteria: ACMG Guidelines, 2015. Collection method: clinical testing. Allele origin: germline. Affected: yes. Observed: 1 variant allele.

Literature cited by the submitters: PubMed 30661052 (cited by Victorian Clinical Genetics Services, Murdoch Childrens Research Institute).

NM_005902.4(SMAD3):c.1180T>C (p.Cys394Arg)

Gene: SMAD3 (SMAD family member 3; plus strand). Cytogenetic location: 15q22.33.
Variant type: single nucleotide variant.
Coding change: c.1180T>C on transcript NM_005902.4 (MANE Select); coding-DNA position 1180, T replaced by C.
Protein change: p.Cys394Arg; replaces cysteine 394 with arginine.
Molecular consequence: missense variant.
Genome position (GRCh38, 1-based): chr15:67,190,438, T>C. VCF-style: chr15-67190438-T-C. GRCh37 (hg19) VCF-style: chr15-67482776-T-C.
Other names: c.865T>C, p.Cys289Arg (NM_001145102.2, NM_001407016.1); c.1048T>C, p.Cys350Arg (NM_001145103.2, NM_001407012.1); c.595T>C, p.Cys199Arg (NM_001145104.2, NM_001407017.1); c.1291T>C, p.Cys431Arg (NM_001407011.1); c.1042T>C, p.Cys348Arg (NM_001407013.1); c.1033T>C, p.Cys345Arg (NM_001407014.1); c.733T>C, p.Cys245Arg (NM_001407015.1); short protein forms C199R, C245R, C289R, C345R, C348R, C350R, C394R, C431R.
Identifiers: ClinVar variation 1806382 (VCV001806382.2), dbSNP rs2140327744, ClinGen allele CA392958698.